The following is an entry in ClinVar:

ClinVar aggregate classification (germline): Likely benign. Review status: criteria provided, multiple submitters, no conflicts (2 of 4 stars). 4 submissions from 4 submitters: Likely benign (3). 1 of the submissions does not count toward it. Last evaluated 2025-12-31.

Conditions:
VPS45-related disorder. Also called: VPS45-related condition.
Congenital neutropenia-myelofibrosis-nephromegaly syndrome. Also called: Severe congenital neutropenia 5, autosomal recessive. Identifiers: Orphanet 369852, MedGen C3809031, MONDO:0014118, OMIM 615285.

Allele frequency attached by ClinVar (database versions not stated): gnomAD 0.00026; TOPMed 0.00026; 1000 Genomes Project 30x 0.00031; ESP Exome Variant Server 0.00038; 1000 Genomes Project 0.00040.
gnomAD v4.1: 75 of 1,614,060 alleles (0.0046%); highest among the groups gnomAD compares: African/African-American, 0.096%; no homozygotes.

Submissions (4):

Labcorp Genetics (formerly Invitae), Labcorp
Classification: Likely benign for Congenital neutropenia-myelofibrosis-nephromegaly syndrome. Last evaluated: 2025-12-31. Review status: criteria provided, single submitter. Criteria: Invitae Variant Classification Sherloc (09022015). Collection method: clinical testing. Allele origin: germline.

Blueprint Genetics
Classification: Likely benign. Last evaluated: 2024-11-26. Review status: criteria provided, single submitter. Criteria: ACMG Guidelines, 2015. Collection method: clinical testing. Allele origin: germline.

Genetic Services Laboratory, University of Chicago
Classification: Likely benign. Last evaluated: 2020-09-11. Review status: criteria provided, single submitter. Criteria: ACMG Guidelines, 2015. Collection method: clinical testing. Allele origin: germline. Affected: no.

PreventionGenetics, part of Exact Sciences
Classification: Likely benign for VPS45-related condition. Last evaluated: 2023-07-07. Review status: no assertion criteria provided. Collection method: clinical testing. Allele origin: germline. Not counted in ClinVar's aggregate classification.
Comment: This variant is classified as likely benign based on ACMG/AMP sequence variant interpretation guidelines (Richards et al. 2015 PMID: 25741868, with internal and published modifications).

NM_007259.5(VPS45):c.1297C>A (p.Arg433=)

Gene: VPS45 (vacuolar protein sorting 45 homolog; plus strand). Cytogenetic location: 1q21.2.
Variant type: single nucleotide variant.
Coding change: c.1297C>A on transcript NM_007259.5 (MANE Select); coding-DNA position 1297, C replaced by A.
Protein change: p.Arg433=; no amino-acid change (arginine 433 retained).
Molecular consequence: synonymous variant. On other transcripts: non-coding transcript variant (1).
Genome position (GRCh38, 1-based): chr1:150,092,335, C>A. VCF-style: chr1-150092335-C-A. GRCh37 (hg19) VCF-style: chr1-150064429-C-A.
Other names: c.982C>A, p.Arg328= (NM_001279353.2); c.1189C>A, p.Arg397= (NM_001279354.2).
Identifiers: ClinVar variation 1147226 (VCV001147226.15), dbSNP rs140771138, ClinGen allele CA1073365.